The following is an entry in ClinVar:

ClinVar aggregate classification (germline): Pathogenic. Review status: criteria provided, multiple submitters, no conflicts (2 of 4 stars). 2 submissions from 2 submitters: Pathogenic (2). Last evaluated 2021-01-04.

Conditions:
Stromme syndrome (STROMS). Also called: APPLE PEEL SYNDROME WITH MICROCEPHALY AND OCULAR ANOMALIES; Strømme Syndrome; Ciliary dyskinesia, primary, 31. Identifiers: Orphanet 444069, Orphanet 506307, MedGen C1855705, MONDO:0009477, OMIM 243605.

Submissions (2):

Genomic Medicine Center of Excellence, King Faisal Specialist Hospital and Research Centre
Classification: Pathogenic for Stromme syndrome. Last evaluated: 2021-01-04. Review status: criteria provided, single submitter. Criteria: ACMG Guidelines, 2015. Collection method: clinical testing. Allele origin: germline. Affected: yes.

Baylor Genetics
Classification: Pathogenic for Stromme syndrome. Last evaluated: 2019-12-24. Review status: criteria provided, single submitter. Criteria: ACMG Guidelines, 2015. Collection method: clinical testing. Allele origin: unknown. Affected: yes.
Comment: This variant was determined to be pathogenic according to ACMG Guidelines, 2015 [PMID:25741868].

NM_016343.4(CENPF):c.1323+1G>A

Gene: CENPF (centromere protein F; plus strand). Cytogenetic location: 1q41.
Variant type: single nucleotide variant.
Coding change: c.1323+1G>A on transcript NM_016343.4 (MANE Select); the canonical splice donor site of the intron after coding-DNA position 1323, G replaced by A.
Molecular consequence: splice donor variant.
Genome position (GRCh38, 1-based): chr1:214,630,663, G>A. VCF-style: chr1-214630663-G-A. GRCh37 (hg19) VCF-style: chr1-214804006-G-A.
Identifiers: ClinVar variation 1029441 (VCV001029441.4), dbSNP rs1657782821, ClinGen allele CA344814822.